The following is an entry in ClinVar:

ClinVar aggregate classification (germline): Uncertain significance. Review status: criteria provided, multiple submitters, no conflicts (2 of 4 stars). 2 submissions from 2 submitters: Uncertain significance (2). Last evaluated 2026-04-19.

Conditions:
Pheochromocytoma. Also called: MAX-Related Hereditary Paraganglioma-Pheochromocytoma Syndrome. Identifiers: Orphanet 29072, MedGen C0031511, MONDO:0008233, OMIM 171300, HP:0002666.
Gastrointestinal stromal tumor. Also called: Gastrointestinal stromal tumor, somatic; Gastrointestinal stroma tumor. Identifiers: Orphanet 44890, MedGen C0238198, MeSH D046152, MONDO:0011719, OMIM 606764, HP:0100723.
Pheochromocytoma/paraganglioma syndrome 4. Also called: CAROTID BODY TUMORS AND MULTIPLE EXTRAADRENAL PHEOCHROMOCYTOMAS; PARAGANGLIOMA, FAMILIAL MALIGNANT; PARAGANGLIOMAS, HEREDITARY EXTRAADRENAL; PHEOCHROMOCYTOMA, FAMILIAL EXTRAADRENAL; Paragangliomas 4; SDHB-Related Hereditary Paraganglioma-Pheochromocytoma Syndrome (Paragangliomas 4). Identifiers: Orphanet 29072, MedGen C1861848, MONDO:0007273, OMIM 115310.
Hereditary cancer-predisposing syndrome. Also called: Neoplastic Syndromes, Hereditary; Hereditary neoplastic syndrome; Tumor predisposition; Hereditary Cancer Syndrome. Identifiers: Orphanet 140162, MedGen C0027672, MeSH D009386, MONDO:0015356.

Submissions (2):

Ambry Genetics
Classification: Uncertain significance for Hereditary cancer-predisposing syndrome. Last evaluated: 2026-04-19. Review status: criteria provided, single submitter. Criteria: Ambry Variant Classification Scheme 2023. Collection method: clinical testing. Allele origin: germline.
Comment: The p.R91S variant (also known as c.273A>C), located in coding exon 3 of the SDHB gene, results from an A to C substitution at nucleotide position 273. The arginine at codon 91 is replaced by serine, an amino acid with dissimilar properties. This amino acid position is conserved. In addition, this alteration is predicted to be deleterious by in silico analysis. Based on the available evidence, the clinical significance of this variant remains unclear.

Labcorp Genetics (formerly Invitae), Labcorp
Classification: Uncertain significance for Gastrointestinal stromal tumor; Pheochromocytoma/paraganglioma syndrome 4; Pheochromocytoma. Last evaluated: 2023-04-03. Review status: criteria provided, single submitter. Criteria: Invitae Variant Classification Sherloc (09022015). Collection method: clinical testing. Allele origin: germline.
Comment: Advanced modeling of protein sequence and biophysical properties (such as structural, functional, and spatial information, amino acid conservation, physicochemical variation, residue mobility, and thermodynamic stability) has been performed at Invitae for this missense variant, however the output from this modeling did not meet the statistical confidence thresholds required to predict the impact of this variant on SDHB protein function. This sequence change replaces arginine, which is basic and polar, with serine, which is neutral and polar, at codon 91 of the SDHB protein (p.Arg91Ser). This variant is not present in population databases (gnomAD no frequency). This variant has not been reported in the literature in individuals affected with SDHB-related conditions. In summary, the available evidence is currently insufficient to determine the role of this variant in disease. Therefore, it has been classified as a Variant of Uncertain Significance.

NM_003000.3(SDHB):c.273A>C (p.Arg91Ser)

Gene: SDHB (succinate dehydrogenase complex iron sulfur subunit B; minus strand). Cytogenetic location: 1p36.13.
Variant type: single nucleotide variant.
Coding change: c.273A>C on transcript NM_003000.3 (MANE Select); coding-DNA position 273, A replaced by C.
Protein change: p.Arg91Ser; replaces arginine 91 with serine.
Molecular consequence: missense variant.
Genome position (GRCh38, 1-based): chr1:17,033,073, T>G on the plus strand (A>C on the coding strand, the complement: SDHB is on the minus strand). VCF-style: chr1-17033073-T-G. GRCh37 (hg19) VCF-style: chr1-17359568-T-G.
Other names: c.273A>C, p.Arg91Ser (NM_001407361.1); short protein forms R91S.
Identifiers: ClinVar variation 2946066 (VCV002946066.4), dbSNP rs2525031402, ClinGen allele CA338276433.